The following is an entry in ClinVar:

NM_016373.4(WWOX):c.848C>A (p.Thr283Lys)

Gene: WWOX (WW domain containing oxidoreductase; plus strand). Cytogenetic location: 16q23.1.
Variant type: single nucleotide variant.
Coding change: c.848C>A on transcript NM_016373.4 (MANE Select); coding-DNA position 848, C replaced by A.
Protein change: p.Thr283Lys; replaces threonine 283 with lysine.
Molecular consequence: missense variant.
Genome position (GRCh38, 1-based): chr16:78,432,544, C>A. VCF-style: chr16-78432544-C-A. GRCh37 (hg19) VCF-style: chr16-78466441-C-A.
Other names: c.509C>A, p.Thr170Lys (NM_001291997.2); c.848C>A (NM_016373.2); short protein forms T283K, T170K.
Identifiers: ClinVar variation 473034 (VCV000473034.7), dbSNP rs1186552961, ClinGen allele CA396843137.

ClinVar aggregate classification (germline): Uncertain significance. Review status: criteria provided, multiple submitters, no conflicts (2 of 4 stars). 2 submissions from 2 submitters: Uncertain significance (2). Last evaluated 2024-08-14.

Conditions:
Autosomal recessive spinocerebellar ataxia 12. Also called: SPINOCEREBELLAR ATAXIA WITH MENTAL RETARDATION AND EPILEPSY. Identifiers: Orphanet 284282, MedGen C3280452, MONDO:0013687, OMIM 614322.
Developmental and epileptic encephalopathy, 1 (DEE1). Also called: X-linked infantile spasms; West's syndrome; Tonic spasms with clustering, arrest of psychomotor development and hypsarrhythmia on EEG; X-Linked Infantile Spasm Syndrome; OHTAHARA SYNDROME, X-LINKED; INFANTILE SPASM SYNDROME, X-LINKED 1. Identifiers: MedGen C3463992, MONDO:0010632, OMIM 308350. Disease mechanism: loss of function.
Inborn genetic diseases. Identifiers: MedGen C0950123, MeSH D030342.

Allele frequency attached by ClinVar (database versions not stated): gnomAD exomes below 0.00001; gnomAD 0.00001; TOPMed 0.00002.
gnomAD v4.1: 2 of 1,613,854 alleles (0.00012%); highest among the groups gnomAD compares: African/African-American, 0.0013%; no homozygotes.

Submissions (2):

Ambry Genetics
Classification: Uncertain significance for Inborn genetic diseases. Last evaluated: 2024-08-14. Review status: criteria provided, single submitter. Criteria: Ambry Variant Classification Scheme 2023. Collection method: clinical testing. Allele origin: germline.

Labcorp Genetics (formerly Invitae), Labcorp
Classification: Uncertain significance for Developmental and epileptic encephalopathy, 1; Autosomal recessive spinocerebellar ataxia 12. Last evaluated: 2024-02-17. Review status: criteria provided, single submitter. Criteria: Invitae Variant Classification Sherloc (09022015). Collection method: clinical testing. Allele origin: germline.
Comment: This sequence change replaces threonine, which is neutral and polar, with lysine, which is basic and polar, at codon 283 of the WWOX protein (p.Thr283Lys). This variant is present in population databases (no rsID available, gnomAD 0.0009%). This variant has not been reported in the literature in individuals affected with WWOX-related conditions. ClinVar contains an entry for this variant (Variation ID: 473034). An algorithm developed to predict the effect of missense changes on protein structure and function (PolyPhen-2) suggests that this variant is likely to be tolerated. In summary, the available evidence is currently insufficient to determine the role of this variant in disease. Therefore, it has been classified as a Variant of Uncertain Significance.